The following is an entry in ClinVar:

ClinVar aggregate classification (germline): Conflicting classifications of pathogenicity. Review status: criteria provided, conflicting classifications (1 of 4 stars). 5 submissions from 5 submitters: Uncertain significance (1); Likely benign (3). 1 of the submissions does not count toward it. Last evaluated 2026-01-17.

Conditions:
GNE myopathy (NM). Also called: INCLUSION BODY MYOPATHY, HEREDITARY, AUTOSOMAL RECESSIVE; INCLUSION BODY MYOPATHY 2, AUTOSOMAL RECESSIVE; Inclusion body myopathy autosomal recessive; Inclusion body myopathy quadriceps sparing; IBM 2; MYOPATHY, DISTAL, WITH OR WITHOUT RIMMED VACUOLES. Identifiers: Orphanet 602, MedGen C1853926, MONDO:0011603, OMIM 605820.
Sialuria. Also called: Sialic Acid Storage Disease; SIALURIA, FRENCH TYPE. Identifiers: Orphanet 3166, MedGen C0342853, MONDO:0010028, OMIM 269921.

Allele frequency attached by ClinVar (database versions not stated): gnomAD exomes 0.00011 and 0.00025; ExAC 0.00025; TOPMed 0.00005; gnomAD 0.00006 and 0.00008; ESP Exome Variant Server 0.00008.
gnomAD v4.1: 176 of 1,613,666 alleles (0.011%); highest among the groups gnomAD compares: South Asian, 0.16%; no homozygotes.

Submissions (5):

Labcorp Genetics (formerly Invitae), Labcorp
Classification: Likely benign for Sialuria; GNE myopathy. Last evaluated: 2026-01-17. Review status: criteria provided, single submitter. Criteria: Invitae Variant Classification Sherloc (09022015). Collection method: clinical testing. Allele origin: germline.

Blueprint Genetics
Classification: Likely benign. Last evaluated: 2024-11-13. Review status: criteria provided, single submitter. Criteria: ACMG Guidelines, 2015. Collection method: clinical testing. Allele origin: germline.

GeneDx
Classification: Likely benign. Last evaluated: 2018-05-10. Review status: criteria provided, single submitter. Criteria: GeneDx Variant Classification (06012015). Collection method: clinical testing. Allele origin: germline. Affected: yes.
Comment: This variant is considered likely benign or benign based on one or more of the following criteria: it is a conservative change, it occurs at a poorly conserved position in the protein, it is predicted to be benign by multiple in silico algorithms, and/or has population frequency not consistent with disease.

Eurofins Ntd Llc (ga)
Classification: Uncertain significance. Last evaluated: 2016-06-08. Review status: criteria provided, single submitter. Criteria: EGL Classification Definitions 2015. Collection method: clinical testing. Allele origin: germline. Observed: 1 variant allele, 1 heterozygote.

Natera, Inc.
Classification: Likely benign for Nonaka myopathy. Last evaluated: 2020-06-04. Review status: no assertion criteria provided. Collection method: clinical testing. Allele origin: germline. Not counted in ClinVar's aggregate classification.

NM_005476.7(GNE):c.1242T>C (p.Leu414=)

Gene: GNE (glucosamine (UDP-N-acetyl)-2-epimerase/N-acetylmannosamine kinase; minus strand). Cytogenetic location: 9p13.3.
Variant type: single nucleotide variant.
Coding change: c.1242T>C on transcript NM_005476.7 (MANE Select); coding-DNA position 1242, T replaced by C.
Protein change: p.Leu414=; no amino-acid change (leucine 414 retained).
Molecular consequence: synonymous variant.
Genome position (GRCh38, 1-based): chr9:36,227,287, A>G on the plus strand (T>C on the coding strand, the complement: GNE is on the minus strand). VCF-style: chr9-36227287-A-G. GRCh37 (hg19) VCF-style: chr9-36227284-A-G.
Other names: c.1335T>C, p.Leu445= (NM_001128227.3); c.1242T>C, p.Leu414= (NM_001190383.3); c.912T>C, p.Leu304= (NM_001190384.3); c.1065T>C, p.Leu355= (NM_001190388.2, NM_001374798.1); c.1089T>C, p.Leu363= (NM_001374797.1).
Identifiers: ClinVar variation 282274 (VCV000282274.19), dbSNP rs371881711, ClinGen allele CA5056554.
Genomic context (GRCh38, chr9:36,227,287, plus strand): 5'-GGAGTTTAGGAGTTATTTTACCTTCATGCTGACTATTGCAACTCGGAGGTTCGTCCCGCC[A>G]AGATCAACGGCCAAGGCACTTAGAGTTTCAAGAATATGGTCAATATCTTGAGAGATATTC-3'
Protein context (NP_005467.1, residues 404-424): LETLSALAVD[Leu414=]GGTNLRVAIV